The following is an entry in ClinVar:

NM_001298.3(CNGA3):c.1931T>C (p.Phe644Ser)

Gene: CNGA3 (cyclic nucleotide gated channel subunit alpha 3; plus strand). Cytogenetic location: 2q11.2.
Variant type: single nucleotide variant.
Coding change: c.1931T>C on transcript NM_001298.3 (MANE Select); coding-DNA position 1931, T replaced by C.
Protein change: p.Phe644Ser; replaces phenylalanine 644 with serine.
Molecular consequence: missense variant.
Genome position (GRCh38, 1-based): chr2:98,397,101, T>C. VCF-style: chr2-98397101-T-C. GRCh37 (hg19) VCF-style: chr2-99013564-T-C.
Other names: c.1877T>C, p.Phe626Ser (NM_001079878.2); short protein forms F644S, F626S.
Identifiers: ClinVar variation 236462 (VCV000236462.10), dbSNP rs878853359, ClinGen allele CA10581657.

ClinVar aggregate classification (germline): Likely pathogenic. Review status: criteria provided, multiple submitters, no conflicts (2 of 4 stars). 3 submissions from 3 submitters: Likely pathogenic (2). 1 of the submissions does not count toward it. Last evaluated 2026-03-31.

Conditions:
Retinal dystrophy. Also called: Inherited retinal dystrophy. Identifiers: Orphanet 71862, MedGen C0854723, MeSH D058499, MONDO:0019118, HP:0000556.
Achromatopsia 2 (ACHM2). Also called: COLORBLINDNESS, TOTAL; ROD MONOCHROMACY 2; ROD MONOCHROMATISM 2. Identifiers: Orphanet 49382, MedGen C1857618, MONDO:0009003, OMIM 216900.

Allele frequency attached by ClinVar (database versions not stated): gnomAD exomes below 0.00001; TOPMed below 0.00001.
gnomAD v4.1: 2 of 1,614,082 alleles (0.00012%); highest among the groups gnomAD compares: African/African-American, 0.0013%; no homozygotes.

Submissions (3):

Women's Health and Genetics/Laboratory Corporation of America, LabCorp
Classification: Likely pathogenic for Achromatopsia 2. Last evaluated: 2026-03-31. Review status: criteria provided, single submitter. Criteria: LabCorp Variant Classification Summary - May 2015. Collection method: clinical testing. Allele origin: germline.
Comment: Variant summary: CNGA3 c.1931T>C (p.Phe644Ser) results in a non-conservative amino acid change in the encoded protein sequence. Algorithms developed to predict the effect of missense changes on protein structure and function all suggest that this variant is likely to be disruptive. The variant was absent in 251024 control chromosomes (gnomAD). c.1931T>C has been observed in individuals affected with inherited retinal disease (e.g. Ellingford_2016, Labcorp (formerly Invitae)). These data indicate that the variant may be associated with disease. At least one publication reports experimental evidence evaluating an impact on protein function, finding that the variant dirupts channel function (Solaki_2023). The following publications have been ascertained in the context of this evaluation (PMID: 27208204, 37689994). ClinVar contains an entry for this variant (Variation ID: 236462). Based on the evidence outlined above, the variant was classified as likely pathogenic.

Labcorp Genetics (formerly Invitae), Labcorp
Classification: Likely pathogenic. Last evaluated: 2022-03-10. Review status: criteria provided, single submitter. Criteria: Invitae Variant Classification Sherloc (09022015). Collection method: clinical testing. Allele origin: germline.
Comment: This sequence change replaces phenylalanine, which is neutral and non-polar, with serine, which is neutral and polar, at codon 644 of the CNGA3 protein (p.Phe644Ser). This variant is not present in population databases (gnomAD no frequency). This missense change has been observed in individuals with inherited retinal disease (PMID: 27208204; Invitae). ClinVar contains an entry for this variant (Variation ID: 236462). Advanced modeling of protein sequence and biophysical properties (such as structural, functional, and spatial information, amino acid conservation, physicochemical variation, residue mobility, and thermodynamic stability) performed at Invitae indicates that this missense variant is expected to disrupt CNGA3 protein function. In summary, the currently available evidence indicates that the variant is pathogenic, but additional data are needed to prove that conclusively. Therefore, this variant has been classified as Likely Pathogenic.

Centre for Genomic Medicine, Manchester, Central Manchester University Hospitals
Classification: Uncertain significance for Retinal dystrophy. Review status: no assertion criteria provided. Collection method: clinical testing. Allele origin: germline. Affected: yes. Not counted in ClinVar's aggregate classification.

Literature cited by the submitters: PubMed 27208204 (cited by Women's Health and Genetics/Laboratory Corporation of America, LabCorp and Labcorp Genetics (formerly Invitae), Labcorp); PubMed 37689994 (cited by Women's Health and Genetics/Laboratory Corporation of America, LabCorp).